The following is an entry in ClinVar:

ClinVar aggregate classification (germline): Uncertain significance. Review status: criteria provided, multiple submitters, no conflicts (2 of 4 stars). 2 submissions from 2 submitters: Uncertain significance (2). Last evaluated 2021-02-11.

Conditions:
Developmental and epileptic encephalopathy, 25 (DEE25). Also called: Epileptic encephalopathy, early infantile, 25; Developmental and epileptic encephalopathy 25, with amelogenesis imperfecta; Epileptic encephalopathy, early infantile, 25, with amelogenesis imperfecta. Identifiers: Orphanet 442835, MedGen C4014621, MONDO:0014392, OMIM 615905.

Allele frequency attached by ClinVar (database versions not stated): gnomAD exomes below 0.00001.
gnomAD v4.1: 7 of 1,614,134 alleles (0.00043%); highest among the groups gnomAD compares: South Asian, 0.0066%; no homozygotes.

Submissions (2):

Labcorp Genetics (formerly Invitae), Labcorp
Classification: Uncertain significance for Developmental and epileptic encephalopathy, 25. Last evaluated: 2021-02-11. Review status: criteria provided, single submitter. Criteria: Invitae Variant Classification Sherloc (09022015). Collection method: clinical testing. Allele origin: germline.
Comment: In summary, the available evidence is currently insufficient to determine the role of this variant in disease. Therefore, it has been classified as a Variant of Uncertain Significance. Algorithms developed to predict the effect of missense changes on protein structure and function (SIFT, PolyPhen-2, Align-GVGD) all suggest that this variant is likely to be tolerated, but these predictions have not been confirmed by published functional studies and their clinical significance is uncertain. This variant has not been reported in the literature in individuals with SLC13A5-related conditions. ClinVar contains an entry for this variant (Variation ID: 393192). This variant is not present in population databases (ExAC no frequency). This sequence change replaces alanine with threonine at codon 297 of the SLC13A5 protein (p.Ala297Thr). The alanine residue is weakly conserved and there is a small physicochemical difference between alanine and threonine.

GeneDx
Classification: Uncertain significance. Last evaluated: 2017-01-30. Review status: criteria provided, single submitter. Criteria: GeneDx Variant Classification (06012015). Collection method: clinical testing. Allele origin: germline. Affected: yes.
Comment: A variant of uncertain significance has been identified in the SLC13A5 gene. The A297T variant has not been published as a pathogenic variant, nor has it been reported as a benign variant to our knowledge. The A297T variant is not observed in large population cohorts (Lek et al., 2016; 1000 Genomes Consortium et al., 2015; Exome Variant Server). The A297T variant is a non-conservative amino acid substitution, which is likely to impact secondary protein structure as these residues differ in polarity, charge, size and/or other properties. However, this substitution occurs at a position that is not conserved. In silico analysis is inconsistent in its predictions as to whether or not the variant is damaging to the protein structure/function. Therefore, based on the currently available information, it is unclear whether this variant is a pathogenic variant or a rare benign variant.

NM_177550.5(SLC13A5):c.889G>A (p.Ala297Thr)

Gene: SLC13A5 (solute carrier family 13 member 5; minus strand). Cytogenetic location: 17p13.1.
Variant type: single nucleotide variant.
Coding change: c.889G>A on transcript NM_177550.5 (MANE Select); coding-DNA position 889, G replaced by A.
Protein change: p.Ala297Thr; replaces alanine 297 with threonine.
Molecular consequence: missense variant.
Genome position (GRCh38, 1-based): chr17:6,695,892, C>T on the plus strand (G>A on the coding strand, the complement: SLC13A5 is on the minus strand). VCF-style: chr17-6695892-C-T. GRCh37 (hg19) VCF-style: chr17-6599211-C-T.
Other names: c.889G>A, p.Ala297Thr (NM_001143838.3); c.838G>A, p.Ala280Thr (NM_001284509.2); c.760G>A, p.Ala254Thr (NM_001284510.2); short protein forms A297T, A280T, A254T.
Identifiers: ClinVar variation 393192 (VCV000393192.10), dbSNP rs1057524830, ClinGen allele CA16607815.